The following is an entry in ClinVar:

ClinVar aggregate classification (germline): Conflicting classifications of pathogenicity. Review status: criteria provided, conflicting classifications (1 of 4 stars). 7 submissions from 7 submitters: Uncertain significance (6); Likely benign (1). Last evaluated 2026-05-18.

Conditions:
Hereditary cancer-predisposing syndrome. Also called: Tumor predisposition; Neoplastic Syndromes, Hereditary; Hereditary neoplastic syndrome; Hereditary Cancer Syndrome. Identifiers: Orphanet 140162, MedGen C0027672, MeSH D009386, MONDO:0015356.
Peutz-Jeghers syndrome (PJS). Also called: POLYPOSIS, HAMARTOMATOUS INTESTINAL; POLYPS-AND-SPOTS SYNDROME; Peutz-Jeghers polyposis; Periorificial lentiginosis syndrome. Identifiers: Orphanet 2869, MedGen C0031269, MeSH D010580, MONDO:0008280, OMIM 175200.

Allele frequency attached by ClinVar (database versions not stated): gnomAD exomes below 0.00001.

Submissions (7):

Ambry Genetics
Classification: Likely benign for Hereditary cancer-predisposing syndrome. Last evaluated: 2026-05-18. Review status: criteria provided, single submitter. Criteria: Ambry Variant Classification Scheme 2023. Collection method: clinical testing. Allele origin: germline.

GeneDx
Classification: Uncertain significance. Last evaluated: 2024-04-17. Review status: criteria provided, single submitter. Criteria: GeneDx Variant Classification Process June 2021. Collection method: clinical testing. Allele origin: germline. Affected: yes.
Comment: Not observed at significant frequency in large population cohorts (gnomAD); In silico analysis indicates that this missense variant does not alter protein structure/function; Has not been previously published as pathogenic or benign to our knowledge; This variant is associated with the following publications: (PMID: 15863673)

Labcorp Genetics (formerly Invitae), Labcorp
Classification: Uncertain significance for Peutz-Jeghers syndrome. Last evaluated: 2024-02-27. Review status: criteria provided, single submitter. Criteria: Invitae Variant Classification Sherloc (09022015). Collection method: clinical testing. Allele origin: germline.
Comment: This sequence change replaces serine, which is neutral and polar, with asparagine, which is neutral and polar, at codon 271 of the STK11 protein (p.Ser271Asn). This variant is not present in population databases (gnomAD no frequency). This variant has not been reported in the literature in individuals affected with STK11-related conditions. ClinVar contains an entry for this variant (Variation ID: 827468). Advanced modeling of protein sequence and biophysical properties (such as structural, functional, and spatial information, amino acid conservation, physicochemical variation, residue mobility, and thermodynamic stability) performed at Invitae indicates that this missense variant is not expected to disrupt STK11 protein function with a negative predictive value of 95%. In summary, the available evidence is currently insufficient to determine the role of this variant in disease. Therefore, it has been classified as a Variant of Uncertain Significance.

All of Us Research Program, National Institutes of Health
Classification: Uncertain significance for Peutz-Jeghers syndrome. Last evaluated: 2024-01-11. Review status: criteria provided, single submitter. Criteria: ACMG Guidelines, 2015. Collection method: clinical testing. Allele origin: germline. Inheritance: Autosomal dominant inheritance. Observed: 1 variant allele, 1 heterozygote.
Comment: This missense variant replaces serine with asparagine at codon 271 of the STK11 protein. Computational prediction suggests that this variant may not impact protein structure and function (internally defined REVEL score threshold <= 0.5, PMID: 27666373). To our knowledge, functional studies have not been reported for this variant. This variant has not been reported in individuals affected with hereditary cancer in the literature. This variant has not been identified in the general population by the Genome Aggregation Database (gnomAD). The available evidence is insufficient to determine the role of this variant in disease conclusively. Therefore, this variant is classified as a Variant of Uncertain Significance.

This study involves interpretation of variants in research participants for the purpose of population health screening. Participant phenotype was not available at the time of variant classification. Additional details can be found in publication PMID: 35346344, PMCID: PMC8962531

Color Diagnostics, LLC DBA Color Health
Classification: Uncertain significance for Hereditary cancer-predisposing syndrome. Last evaluated: 2021-11-12. Review status: criteria provided, single submitter. Criteria: ACMG Guidelines, 2015. Collection method: clinical testing. Allele origin: germline.
Comment: This missense variant replaces serine with asparagine at codon 271 of the STK11 protein. Computational prediction suggests that this variant may not impact protein structure and function (internally defined REVEL score threshold <= 0.5, PMID: 27666373). To our knowledge, functional studies have not been reported for this variant. This variant has not been reported in individuals affected with hereditary cancer in the literature. This variant has not been identified in the general population by the Genome Aggregation Database (gnomAD). The available evidence is insufficient to determine the role of this variant in disease conclusively. Therefore, this variant is classified as a Variant of Uncertain Significance.

Sema4
Classification: Uncertain significance for Hereditary cancer-predisposing syndrome. Last evaluated: 2021-09-20. Review status: criteria provided, single submitter. Criteria: Sema4 Curation Guidelines. Collection method: curation. Allele origin: germline.
Comment: To the best of our knowledge, the STK11 c.812G>A (p.S271N) variant has not been reported in individuals with STK11-related disease. This variant is not reported in the population database Genome Aggregation Database (PMID: 32461654), but has been reported in ClinVar (Variation ID: 827468). Functional studies have not been performed, and in silico predictions of the variant's effect on protein function are inconclusive. Based on the current evidence available, this variant is interpreted as a variant of uncertain significance.

Genome-Nilou Lab
Classification: Uncertain significance for Peutz-Jeghers syndrome. Last evaluated: 2021-07-15. Review status: criteria provided, single submitter. Criteria: ACMG Guidelines, 2015. Collection method: clinical testing. Allele origin: germline. Affected: no.

NM_000455.5(STK11):c.812G>A (p.Ser271Asn)

Gene: STK11 (serine/threonine kinase 11; plus strand). Cytogenetic location: 19p13.3.
Variant type: single nucleotide variant.
Coding change: c.812G>A on transcript NM_000455.5 (MANE Select); coding-DNA position 812, G replaced by A.
Protein change: p.Ser271Asn; replaces serine 271 with asparagine.
Molecular consequence: missense variant.
Genome position (GRCh38, 1-based): chr19:1,221,290, G>A. VCF-style: chr19-1221290-G-A. GRCh37 (hg19) VCF-style: chr19-1221289-G-A.
Other names: short protein forms S271N.
Identifiers: ClinVar variation 827468 (VCV000827468.21), dbSNP rs1599927654, ClinGen allele CA402950596.